The following is an entry in ClinVar:

NM_001042545.2(LTBP4):c.427C>T (p.Arg143Cys)

Gene: LTBP4 (latent transforming growth factor beta binding protein 4; plus strand). Cytogenetic location: 19q13.2.
Variant type: single nucleotide variant.
Coding change: c.427C>T on transcript NM_001042545.2 (MANE Select); coding-DNA position 427, C replaced by T.
Protein change: p.Arg143Cys; replaces arginine 143 with cysteine.
Molecular consequence: missense variant.
Genome position (GRCh38, 1-based): chr19:40,605,211, C>T. VCF-style: chr19-40605211-C-T. GRCh37 (hg19) VCF-style: chr19-41111117-C-T.
Other names: c.628C>T, p.Arg210Cys (NM_001042544.1); c.517C>T, p.Arg173Cys (NM_003573.2); short protein forms R173C, R210C, R143C.
Identifiers: ClinVar variation 4777523 (VCV004777523.1).

ClinVar aggregate classification (germline): Uncertain significance (1 of 4 stars; one submission).

Submission:

Labcorp Genetics (formerly Invitae), Labcorp
Classification: Uncertain significance. Last evaluated: 2025-10-06. Review status: criteria provided, single submitter. Criteria: Invitae Variant Classification Sherloc (09022015). Collection method: clinical testing. Allele origin: germline.
Comment: This sequence change replaces arginine, which is basic and polar, with cysteine, which is neutral and slightly polar, at codon 173 of the LTBP4 protein (p.Arg173Cys). This variant is not present in population databases (gnomAD no frequency). This variant has not been reported in the literature in individuals affected with LTBP4-related conditions. Experimental studies and prediction algorithms are not available or were not evaluated, and the functional significance of this variant is currently unknown. In summary, the available evidence is currently insufficient to determine the role of this variant in disease. Therefore, it has been classified as a Variant of Uncertain Significance.